The following is an entry in ClinVar:

ClinVar aggregate classification (germline): Likely benign (1 of 4 stars; one submission).

gnomAD v4.1: 73 of 1,536,454 alleles (0.0048%); highest among the groups gnomAD compares: Middle Eastern, 0.084%; 1 homozygote.

Submission:

CeGaT Center for Human Genetics Tuebingen
Classification: Likely benign. Last evaluated: 2026-01-01. Review status: criteria provided, single submitter. Criteria: CeGaT Center For Human Genetics Tuebingen Variant Classification Criteria Version 2. Collection method: clinical testing. Allele origin: germline. Affected: yes. Observed: 1 variant allele.
Comment: ZFHX2: BP4, BP7

NM_033400.3(ZFHX2):c.7626G>A (p.Ser2542=)

Genes: ZFHX2 (zinc finger homeobox 2; minus strand), THTPA (thiamine triphosphatase; plus strand). Cytogenetic location: 14q11.2.
Variant type: single nucleotide variant.
Coding change: c.7626G>A on transcript NM_033400.3 (MANE Select); coding-DNA position 7626, G replaced by A.
Protein change: p.Ser2542=; no amino-acid change (serine 2542 retained).
Molecular consequence: synonymous variant.
Genome position (GRCh38, 1-based): chr14:23,522,055, C>T on the plus strand (G>A on the coding strand, the complement: ZFHX2 is on the minus strand). VCF-style: chr14-23522055-C-T. GRCh37 (hg19) VCF-style: chr14-23991264-C-T.
Identifiers: ClinVar variation 4821328 (VCV004821328.4).